The following is an entry in ClinVar:

ClinVar aggregate classification (germline): Uncertain significance (1 of 4 stars; one submission).

Submission:

Labcorp Genetics (formerly Invitae), Labcorp
Classification: Uncertain significance. Last evaluated: 2025-02-10. Review status: criteria provided, single submitter. Criteria: Invitae Variant Classification Sherloc (09022015). Collection method: clinical testing. Allele origin: germline.
Comment: This sequence change replaces tyrosine, which is neutral and polar, with histidine, which is basic and polar, at codon 245 of the ACAN protein (p.Tyr245His). This variant is not present in population databases (gnomAD no frequency). This variant has not been reported in the literature in individuals affected with ACAN-related conditions. ClinVar contains an entry for this variant (Variation ID: 2696969). Invitae Evidence Modeling of protein sequence and biophysical properties (such as structural, functional, and spatial information, amino acid conservation, physicochemical variation, residue mobility, and thermodynamic stability) indicates that this missense variant is not expected to disrupt ACAN protein function with a negative predictive value of 80%. In summary, the available evidence is currently insufficient to determine the role of this variant in disease. Therefore, it has been classified as a Variant of Uncertain Significance.

NM_001369268.1(ACAN):c.733T>C (p.Tyr245His)

Gene: ACAN (aggrecan; plus strand). Cytogenetic location: 15q26.1.
Variant type: single nucleotide variant.
Coding change: c.733T>C on transcript NM_001369268.1 (MANE Select); coding-DNA position 733, T replaced by C.
Protein change: p.Tyr245His; replaces tyrosine 245 with histidine.
Molecular consequence: missense variant.
Genome position (GRCh38, 1-based): chr15:88,841,843, T>C. VCF-style: chr15-88841843-T-C. GRCh37 (hg19) VCF-style: chr15-89385074-T-C.
Other names: c.733T>C, p.Tyr245His (NM_001411096.1, NM_001411097.1, NM_013227.4 and 1 more transcripts); short protein forms Y245H.
Identifiers: ClinVar variation 2696969 (VCV002696969.3), dbSNP rs2505241964, ClinGen allele CA393706069.